The following is an entry in ClinVar:

NM_052989.3(IFT122):c.2063G>A (p.Gly688Glu)

Genes: IFT122 (intraflagellar transport 122; plus strand), LOC126806810 (CDK7 strongly-dependent group 2 enhancer GRCh37_chr3:129213542-129214741; plus strand). Cytogenetic location: 3q21.3.
Variant type: single nucleotide variant.
Coding change: c.2063G>A on transcript NM_052989.3 (MANE Select); coding-DNA position 2063, G replaced by A.
Protein change: p.Gly688Glu; replaces glycine 688 with glutamic acid.
Molecular consequence: missense variant.
Genome position (GRCh38, 1-based): chr3:129,495,462, G>A. VCF-style: chr3-129495462-G-A. GRCh37 (hg19) VCF-style: chr3-129214305-G-A.
Other names: c.2039G>A, p.Gly680Glu (NM_001280541.2); c.1613G>A, p.Gly538Glu (NM_001280545.2); c.1436G>A, p.Gly479Glu (NM_001280546.2); c.2063G>A, p.Gly688Glu (NM_001410808.1); c.2009G>A, p.Gly670Glu (NM_001410809.1); c.1886G>A, p.Gly629Glu (NM_001410810.1, NM_018262.4); c.1832G>A, p.Gly611Glu (NM_001410811.1, NM_001410813.1); c.1730G>A, p.Gly577Glu (NM_001410815.1, NM_052990.3); and 2 more; short protein forms G479E, G538E, G577E, G611E, G680E, G688E, G739E, G559E.
Identifiers: ClinVar variation 2149075 (VCV002149075.4), dbSNP rs372757203, ClinGen allele CA82622238.

ClinVar aggregate classification (germline): Uncertain significance (1 of 4 stars; one submission).

Conditions:
Cranioectodermal dysplasia 1 (CED1). Also called: LEVIN SYNDROME I. Identifiers: Orphanet 1515, MedGen C0432235, MONDO:0021093, OMIM 218330.

Allele frequency attached by ClinVar (database versions not stated): gnomAD exomes below 0.00001; TOPMed below 0.00001; ESP Exome Variant Server 0.00008.
gnomAD v4.1: 7 of 1,614,160 alleles (0.00043%); highest among the groups gnomAD compares: Non-Finnish European, 0.00034%; no homozygotes.

Submission:

Labcorp Genetics (formerly Invitae), Labcorp
Classification: Uncertain significance for Cranioectodermal dysplasia 1. Last evaluated: 2022-04-04. Review status: criteria provided, single submitter. Criteria: Invitae Variant Classification Sherloc (09022015). Collection method: clinical testing. Allele origin: germline.
Comment: This sequence change replaces glycine, which is neutral and non-polar, with glutamic acid, which is acidic and polar, at codon 739 of the IFT122 protein (p.Gly739Glu). This variant is not present in population databases (gnomAD no frequency). This variant has not been reported in the literature in individuals affected with IFT122-related conditions. Algorithms developed to predict the effect of missense changes on protein structure and function are either unavailable or do not agree on the potential impact of this missense change (SIFT: "Deleterious"; PolyPhen-2: "Probably Damaging"; Align-GVGD: "Class C15"). In summary, the available evidence is currently insufficient to determine the role of this variant in disease. Therefore, it has been classified as a Variant of Uncertain Significance.